The following is an entry in ClinVar:

ClinVar aggregate classification (germline): Pathogenic/Likely pathogenic. Review status: criteria provided, multiple submitters, no conflicts (2 of 4 stars). 5 submissions from 5 submitters: Pathogenic (3); Likely pathogenic (2). Last evaluated 2026-03-01.

Conditions:
OTOG-related disorder. Also called: OTOG-related condition.
Autosomal recessive nonsyndromic hearing loss 18B. Also called: Deafness, autosomal recessive 18b. Identifiers: Orphanet 90636, MedGen C3554163, MONDO:0013985, OMIM 614945.

Allele frequency attached by ClinVar (database versions not stated): TOPMed 0.00001; gnomAD 0.00003; gnomAD exomes 0.00003 and 0.00011.
gnomAD v4.1: 150 of 1,550,486 alleles (0.0097%); highest among the groups gnomAD compares: Non-Finnish European, 0.013%; no homozygotes.

Submissions (5):

CeGaT Center for Human Genetics Tuebingen
Classification: Pathogenic. Last evaluated: 2026-03-01. Review status: criteria provided, single submitter. Criteria: CeGaT Center For Human Genetics Tuebingen Variant Classification Criteria Version 2. Collection method: clinical testing. Allele origin: germline. Affected: yes. Observed: 3 variant alleles.
Comment: OTOG: PVS1, PM2, PM3

PreventionGenetics, part of Exact Sciences
Classification: Likely pathogenic for OTOG-related condition. Last evaluated: 2024-12-11. Review status: criteria provided, single submitter. Criteria: ACMG Guidelines, 2015. Collection method: clinical testing. Allele origin: germline.
Comment: The OTOG c.1702C>T variant is predicted to result in premature protein termination (p.Gln568*). To our knowledge, this variant has not been reported in the literature. This variant is reported in 0.0071% of alleles in individuals of European (Non-Finnish) descent in gnomAD. Nonsense variants in OTOG are expected to be pathogenic. This variant is interpreted as likely pathogenic.

Institute of Human Genetics, Cologne University
Classification: Pathogenic for Autosomal recessive nonsyndromic hearing loss 18B. Last evaluated: 2024-03-13. Review status: criteria provided, single submitter. Criteria: ACMG Guidelines, 2015. Collection method: clinical testing. Allele origin: germline. Affected: yes.

Labcorp Genetics (formerly Invitae), Labcorp
Classification: Pathogenic. Last evaluated: 2023-05-05. Review status: criteria provided, single submitter. Criteria: Invitae Variant Classification Sherloc (09022015). Collection method: clinical testing. Allele origin: germline.
Comment: For these reasons, this variant has been classified as Pathogenic. ClinVar contains an entry for this variant (Variation ID: 870667). This variant has not been reported in the literature in individuals affected with OTOG-related conditions. This variant is present in population databases (rs530874854, gnomAD 0.007%). This sequence change creates a premature translational stop signal (p.Gln568*) in the OTOG gene. It is expected to result in an absent or disrupted protein product. Loss-of-function variants in OTOG are known to be pathogenic (PMID: 23122587).

Molecular Diagnostics Laboratory, M Health Fairview: University of Minnesota
Classification: Likely pathogenic for Autosomal recessive nonsyndromic hearing loss 18B. Last evaluated: 2020-09-08. Review status: criteria provided, single submitter. Criteria: ACMG Guidelines, 2015. Collection method: clinical testing. Allele origin: germline. Affected: yes.

Literature cited by the submitters: PubMed 23122587 (cited by Labcorp Genetics (formerly Invitae), Labcorp).

NM_001292063.2(OTOG):c.1666C>T (p.Gln556Ter)

Gene: OTOG (otogelin; plus strand). Cytogenetic location: 11p15.1.
Variant type: single nucleotide variant.
Coding change: c.1666C>T on transcript NM_001292063.2 (MANE Select); coding-DNA position 1666, C replaced by T.
Protein change: p.Gln556Ter; replaces glutamine 556 with a stop codon.
Molecular consequence: nonsense.
Genome position (GRCh38, 1-based): chr11:17,569,177, C>T. VCF-style: chr11-17569177-C-T. GRCh37 (hg19) VCF-style: chr11-17590724-C-T.
Other names: c.1702C>T, p.Gln568Ter (NM_001277269.2); short protein forms Q556*, Q568*.
Identifiers: ClinVar variation 870667 (VCV000870667.48), dbSNP rs530874854, ClinGen allele CA218503547.